The following is an entry in ClinVar:

ClinVar aggregate classification (germline): Uncertain significance (1 of 4 stars; one submission).

Conditions:
ALG6-congenital disorder of glycosylation 1C (CDG1C). Also called: Congenital disorder of glycosylation, type Ic; CDG Ic; Congenital disorder of glycosylation type 1C; CARBOHYDRATE-DEFICIENT GLYCOPROTEIN SYNDROME, TYPE I, WITH DEFICIENT GLYCOSYLATION OF DOLICHOL-LINKED OLIGOSACCHARIDE; CARBOHYDRATE-DEFICIENT GLYCOPROTEIN SYNDROME, TYPE V. Identifiers: Orphanet 79320, MedGen C2930997, MONDO:0011291, OMIM 603147.

Submission:

Labcorp Genetics (formerly Invitae), Labcorp
Classification: Uncertain significance for ALG6-congenital disorder of glycosylation 1C. Last evaluated: 2022-09-09. Review status: criteria provided, single submitter. Criteria: Invitae Variant Classification Sherloc (09022015). Collection method: clinical testing. Allele origin: germline.
Comment: This sequence change affects codon 281 of the ALG6 mRNA. It is a 'silent' change, meaning that it does not change the encoded amino acid sequence of the ALG6 protein. This variant is not present in population databases (gnomAD no frequency). This variant has not been reported in the literature in individuals affected with ALG6-related conditions. Algorithms developed to predict the effect of sequence changes on RNA splicing suggest that this variant may disrupt the consensus splice site. In summary, the available evidence is currently insufficient to determine the role of this variant in disease. Therefore, it has been classified as a Variant of Uncertain Significance.

NM_013339.4(ALG6):c.843C>T (p.Ser281=)

Gene: ALG6 (ALG6 alpha-1,3-glucosyltransferase; plus strand). Cytogenetic location: 1p31.3.
Variant type: single nucleotide variant.
Coding change: c.843C>T on transcript NM_013339.4 (MANE Select); coding-DNA position 843, C replaced by T.
Protein change: p.Ser281=; no amino-acid change (serine 281 retained).
Molecular consequence: synonymous variant.
Genome position (GRCh38, 1-based): chr1:63,414,087, C>T. VCF-style: chr1-63414087-C-T. GRCh37 (hg19) VCF-style: chr1-63879758-C-T.
Identifiers: ClinVar variation 2029707 (VCV002029707.4), dbSNP rs2523755496, ClinGen allele CA418201756.